The following is an entry in ClinVar:

ClinVar aggregate classification (germline): Likely benign (1 of 4 stars; one submission).

Allele frequency attached by ClinVar (database versions not stated): ESP Exome Variant Server 0.00008; gnomAD exomes 0.00009; ExAC 0.00012; 1000 Genomes Project 30x 0.00016; gnomAD 0.00016; 1000 Genomes Project 0.00020; TOPMed 0.00033.
gnomAD v4.1: 166 of 1,614,210 alleles (0.01%); highest among the groups gnomAD compares: African/African-American, 0.041%; no homozygotes.

Submission:

CeGaT Center for Human Genetics Tuebingen
Classification: Likely benign. Last evaluated: 2026-09-01. Review status: criteria provided, single submitter. Criteria: CeGaT Center For Human Genetics Tuebingen Variant Classification Criteria Version 2. Collection method: clinical testing. Allele origin: germline. Affected: yes. Observed: 2 variant alleles.
Comment: AFF3: BP4, BP7

NM_001386135.1(AFF3):c.717C>T (p.Asp239=)

Gene: AFF3 (ALF transcription elongation factor 3; minus strand). Cytogenetic location: 2q11.2.
Variant type: single nucleotide variant.
Coding change: c.717C>T on transcript NM_001386135.1 (MANE Select); coding-DNA position 717, C replaced by T.
Protein change: p.Asp239=; no amino-acid change (aspartic acid 239 retained).
Molecular consequence: synonymous variant.
Genome position (GRCh38, 1-based): chr2:100,006,788, G>A on the plus strand (C>T on the coding strand, the complement: AFF3 is on the minus strand). VCF-style: chr2-100006788-G-A. GRCh37 (hg19) VCF-style: chr2-100623250-G-A.
Other names: c.792C>T, p.Asp264= (NM_001025108.2); c.717C>T, p.Asp239= (NM_002285.3).
Identifiers: ClinVar variation 2651200 (VCV002651200.24), dbSNP rs138844530, ClinGen allele CA1801444.